The following is an entry in ClinVar:

NM_005002.5(NDUFA9):c.293G>C (p.Gly98Ala)

Gene: NDUFA9 (NADH:ubiquinone oxidoreductase subunit A9; plus strand). Cytogenetic location: 12p13.32.
Variant type: single nucleotide variant.
Coding change: c.293G>C on transcript NM_005002.5 (MANE Select); coding-DNA position 293, G replaced by C.
Protein change: p.Gly98Ala; replaces glycine 98 with alanine.
Molecular consequence: missense variant.
Genome position (GRCh38, 1-based): chr12:4,654,897, G>C. VCF-style: chr12-4654897-G-C. GRCh37 (hg19) VCF-style: chr12-4764063-G-C.
Other names: short protein forms G98A.
Identifiers: ClinVar variation 4795599 (VCV004795599.1).

ClinVar aggregate classification (germline): Uncertain significance (1 of 4 stars; one submission).

gnomAD v4.1: 1 of 1,613,806 alleles (0.000062%); highest among the groups gnomAD compares: Non-Finnish European, 0.000085%; no homozygotes.

Submission:

GeneDx
Classification: Uncertain significance. Last evaluated: 2025-08-11. Review status: criteria provided, single submitter. Criteria: GeneDx Variant Classification Process June 2021. Collection method: clinical testing. Allele origin: germline. Affected: yes.
Comment: Not observed at significant frequency in large population cohorts (gnomAD); In silico analysis supports that this missense variant has a deleterious effect on protein structure/function; Has not been previously published as pathogenic or benign to our knowledge